The following is an entry in ClinVar:

NM_005993.5(TBCD):c.135G>A (p.Glu45=)

Genes: TBCD (tubulin folding cofactor D), LOC130062062 (ATAC-STARR-seq lymphoblastoid silent region 9229; plus strand). Cytogenetic location: 17q25.3.
Variant type: single nucleotide variant.
Coding change: c.135G>A on transcript NM_005993.5 (MANE Select); coding-DNA position 135, G replaced by A.
Protein change: p.Glu45=; no amino-acid change (glutamic acid 45 retained).
Molecular consequence: synonymous variant.
Genome position (GRCh38, 1-based): chr17:82,752,328, G>A. VCF-style: chr17-82752328-G-A. GRCh37 (hg19) VCF-style: chr17-80710204-G-A.
Identifiers: ClinVar variation 748392 (VCV000748392.8), dbSNP rs1598351444, ClinGen allele CA502586126.

ClinVar aggregate classification (germline): Likely benign. Review status: criteria provided, single submitter (1 of 4 stars). 2 submissions from 2 submitters: Likely benign (1). 1 of the submissions does not count toward it. Last evaluated 2023-08-02.

Conditions:
TBCD-related disorder. Also called: TBCD-related condition.

Allele frequency attached by ClinVar (database versions not stated): gnomAD 0.00001; TOPMed 0.00001.
gnomAD v4.1: 3 of 1,438,268 alleles (0.00021%); highest among the groups gnomAD compares: Non-Finnish European, 0.00009%; no homozygotes.

Submissions (2):

Labcorp Genetics (formerly Invitae), Labcorp
Classification: Likely benign. Last evaluated: 2023-08-02. Review status: criteria provided, single submitter. Criteria: Invitae Variant Classification Sherloc (09022015). Collection method: clinical testing. Allele origin: germline.

PreventionGenetics, part of Exact Sciences
Classification: Likely benign for TBCD-related condition. Last evaluated: 2022-11-30. Review status: no assertion criteria provided. Collection method: clinical testing. Allele origin: germline. Not counted in ClinVar's aggregate classification.
Comment: This variant is classified as likely benign based on ACMG/AMP sequence variant interpretation guidelines (Richards et al. 2015 PMID: 25741868, with internal and published modifications).